The following is an entry in ClinVar:

ClinVar aggregate classification (germline): Uncertain significance (1 of 4 stars; one submission).

Allele frequency attached by ClinVar (database versions not stated): gnomAD exomes below 0.00001.

Submission:

Ambry Genetics
Classification: Uncertain significance. Last evaluated: 2022-11-23. Review status: criteria provided, single submitter. Criteria: Ambry Variant Classification Scheme 2023. Collection method: clinical testing. Allele origin: germline.
Comment: The p.N349K variant (also known as c.1047T>A), located in coding exon 7 of the IDH1 gene, results from a T to A substitution at nucleotide position 1047. The asparagine at codon 349 is replaced by lysine, an amino acid with similar properties. This amino acid position is conserved. In addition, this alteration is predicted to be tolerated by in silico analysis. Since supporting evidence is limited at this time, the clinical significance of this alteration remains unclear.

NM_005896.4(IDH1):c.1047T>A (p.Asn349Lys)

Gene: IDH1 (isocitrate dehydrogenase (NADP(+)) 1; minus strand). Cytogenetic location: 2q34.
Variant type: single nucleotide variant.
Coding change: c.1047T>A on transcript NM_005896.4 (MANE Select); coding-DNA position 1047, T replaced by A.
Protein change: p.Asn349Lys; replaces asparagine 349 with lysine.
Molecular consequence: missense variant.
Genome position (GRCh38, 1-based): chr2:208,239,178, A>T on the plus strand (T>A on the coding strand, the complement: IDH1 is on the minus strand). VCF-style: chr2-208239178-A-T. GRCh37 (hg19) VCF-style: chr2-209103902-A-T.
Other names: c.1047T>A, p.Asn349Lys (NM_001282386.1, NM_001282387.1); short protein forms N349K.
Identifiers: ClinVar variation 2453222 (VCV002453222.2), dbSNP rs1687872058, ClinGen allele CA350094623.
Genomic context (GRCh38, chr2:208,239,178, plus strand): 5'-AGCCTCAATTGTCTCAATAGAGACTTCTTCCAAAGCATTTGCAAAGAAGGCAAGCTCTTT[A>T]TTGTTATCAAGCTTTGCTCTGTGGGCTAACCCTCTGGTCCAGGCAAAAATGGAAGCTAAA-3'
Protein context (NP_005887.2, residues 339-359): GLAHRAKLDN[Asn349Lys]KELAFFANAL